The following is an entry in ClinVar:

ClinVar aggregate classification (germline): Uncertain significance (1 of 4 stars; one submission).

Conditions:
Mosaic variegated aneuploidy syndrome 1 (MVA1). Also called: Warburton-Anyane-Yeboa syndrome. Identifiers: Orphanet 1052, MedGen C1850343, MONDO:0009759, OMIM 257300.

Allele frequency attached by ClinVar (database versions not stated): gnomAD exomes below 0.00001.
gnomAD v4.1: 1 of 1,614,226 alleles (0.000062%); highest among the groups gnomAD compares: Non-Finnish European, 0.000085%; no homozygotes.

Submission:

Labcorp Genetics (formerly Invitae), Labcorp
Classification: Uncertain significance for Mosaic variegated aneuploidy syndrome 1. Last evaluated: 2023-02-18. Review status: criteria provided, single submitter. Criteria: Invitae Variant Classification Sherloc (09022015). Collection method: clinical testing. Allele origin: germline.
Comment: This sequence change replaces glutamine, which is neutral and polar, with arginine, which is basic and polar, at codon 293 of the BUB1B protein (p.Gln293Arg). This variant is not present in population databases (gnomAD no frequency). This variant has not been reported in the literature in individuals affected with BUB1B-related conditions. An algorithm developed to predict the effect of missense changes on protein structure and function (PolyPhen-2) suggests that this variant is likely to be disruptive. In summary, the available evidence is currently insufficient to determine the role of this variant in disease. Therefore, it has been classified as a Variant of Uncertain Significance.

NM_001211.6(BUB1B):c.878A>G (p.Gln293Arg)

Gene: BUB1B (BUB1 mitotic checkpoint serine/threonine kinase B; plus strand). Cytogenetic location: 15q15.1.
Variant type: single nucleotide variant.
Coding change: c.878A>G on transcript NM_001211.6 (MANE Select); coding-DNA position 878, A replaced by G.
Protein change: p.Gln293Arg; replaces glutamine 293 with arginine.
Molecular consequence: missense variant.
Genome position (GRCh38, 1-based): chr15:40,185,291, A>G. VCF-style: chr15-40185291-A-G. GRCh37 (hg19) VCF-style: chr15-40477492-A-G.
Other names: short protein forms Q293R.
Identifiers: ClinVar variation 2838601 (VCV002838601.3), dbSNP rs2542535583, ClinGen allele CA391684478.